The following is an entry in ClinVar:

NM_004698.4(PRPF3):c.1282+6G>A

Gene: PRPF3 (pre-mRNA processing factor 3; plus strand). Cytogenetic location: 1q21.2.
Variant type: single nucleotide variant.
Coding change: c.1282+6G>A on transcript NM_004698.4 (MANE Select); 6 bases into the intron after coding-DNA position 1282, G replaced by A.
Molecular consequence: intron variant.
Genome position (GRCh38, 1-based): chr1:150,340,483, G>A. VCF-style: chr1-150340483-G-A. GRCh37 (hg19) VCF-style: chr1-150312959-G-A.
Other names: c.877+6G>A (NM_001350529.1).
Identifiers: ClinVar variation 1463910 (VCV001463910.6), dbSNP rs781919931, ClinGen allele CA1075578.
Genomic context (GRCh38, chr1:150,340,483, plus strand): 5'-GATTATTTTGGAATCACAAATCTTGTTGAACATCCAGCCCAGCTCAATCCTCCAGGTAAT[G>A]TATAGATTCCTGAATCAAGTCTCTAGAGCAGCATTACCCATTGGAAATTTATACAGTGAG-3'

ClinVar aggregate classification (germline): Uncertain significance (1 of 4 stars; one submission).

Allele frequency attached by ClinVar (database versions not stated): gnomAD exomes below 0.00001 and 0.00001; ExAC 0.00001; TOPMed 0.00001.
gnomAD v4.1: 4 of 1,578,824 alleles (0.00025%); highest among the groups gnomAD compares: East Asian, 0.0067%; no homozygotes.

Submission:

Labcorp Genetics (formerly Invitae), Labcorp
Classification: Uncertain significance. Last evaluated: 2022-07-05. Review status: criteria provided, single submitter. Criteria: Invitae Variant Classification Sherloc (09022015). Collection method: clinical testing. Allele origin: germline.
Comment: This sequence change falls in intron 9 of the PRPF3 gene. It does not directly change the encoded amino acid sequence of the PRPF3 protein. It affects a nucleotide within the consensus splice site. This variant is present in population databases (rs781919931, gnomAD 0.01%). In summary, the available evidence is currently insufficient to determine the role of this variant in disease. Therefore, it has been classified as a Variant of Uncertain Significance. Variants that disrupt the consensus splice site are a relatively common cause of aberrant splicing (PMID: 17576681, 9536098). Algorithms developed to predict the effect of sequence changes on RNA splicing suggest that this variant is not likely to affect RNA splicing. ClinVar contains an entry for this variant (Variation ID: 1463910). This variant has not been reported in the literature in individuals affected with PRPF3-related conditions.

Literature cited by the submitters: PubMed 17576681; PubMed 9536098.